The following is an entry in ClinVar:

NM_004456.5(EZH2):c.398A>G (p.Tyr133Cys)

Gene: EZH2 (enhancer of zeste 2 polycomb repressive complex 2 subunit; minus strand). Cytogenetic location: 7q36.1.
Variant type: single nucleotide variant.
Coding change: c.398A>G on transcript NM_004456.5 (MANE Select); coding-DNA position 398, A replaced by G.
Protein change: p.Tyr133Cys; replaces tyrosine 133 with cysteine.
Molecular consequence: missense variant.
Genome position (GRCh38, 1-based): chr7:148,829,814, T>C on the plus strand (A>G on the coding strand, the complement: EZH2 is on the minus strand). VCF-style: chr7-148829814-T-C. GRCh37 (hg19) VCF-style: chr7-148526906-T-C.
Other names: c.398A>G, p.Tyr133Cys (NM_001203247.2); c.371A>G, p.Tyr124Cys (NM_001203248.2, NM_001203249.2); c.281A>G, p.Tyr94Cys (NM_152998.3); short protein forms Y133C, Y124C, Y94C.
Identifiers: ClinVar variation 933450 (VCV000933450.12), dbSNP rs1808822115, ClinGen allele CA369721796.
Genomic context (GRCh38, chr7:148,829,814, plus strand): 5'-TAATTTTTTATTAGTTCTTCAATGAAAGTACCATCCTGATCTAAAACTTCATCTCCCATA[T>C]AAGGAATGTTATGTAAAACAGTTTCATCTTCCACCTAAAAGAAAAAAATATATTTAAAAA-3'
Protein context (NP_004447.2, residues 123-143): EDETVLHNIP[Tyr133Cys]MGDEVLDQDG

ClinVar aggregate classification (germline): Pathogenic/Likely pathogenic. Review status: criteria provided, multiple submitters, no conflicts (2 of 4 stars). 2 submissions from 2 submitters: Pathogenic (1); Likely pathogenic (1). Last evaluated 2020-10-23.

Conditions:
Weaver syndrome (WVS). Also called: Weaver Smith syndrome; Overgrowth syndrome with accelerated skeletal maturation, unusual facies, and camptodactyly. Identifiers: Orphanet 3447, MedGen C0265210, MONDO:0010193, OMIM 277590.

Submissions (2):

Institute of Medical Genetics and Applied Genomics, University Hospital Tübingen
Classification: Likely pathogenic. Last evaluated: 2020-10-23. Review status: criteria provided, single submitter. Criteria: ACMG Guidelines, 2015. Collection method: clinical testing. Allele origin: germline. Inheritance: Unknown mechanism. Affected: yes.

Labcorp Genetics (formerly Invitae), Labcorp
Classification: Pathogenic for Weaver syndrome. Last evaluated: 2019-07-16. Review status: criteria provided, single submitter. Criteria: Invitae Variant Classification Sherloc (09022015). Collection method: clinical testing. Allele origin: germline.
Comment: For these reasons, this variant has been classified as Pathogenic. Algorithms developed to predict the effect of sequence changes on RNA splicing suggest that this variant may create or strengthen a splice site, but this prediction has not been confirmed by published transcriptional studies. This variant has been reported to affect EZH2 protein function (PMID: 26694085). This variant has been observed to be de novo in individuals affected with Weaver syndrome (PMID: 26694085). This variant is not present in population databases (ExAC no frequency). This sequence change replaces tyrosine with cysteine at codon 133 of the EZH2 protein (p.Tyr133Cys). The tyrosine residue is highly conserved and there is a large physicochemical difference between tyrosine and cysteine.

Literature cited by the submitters: PubMed 26694085 (cited by Labcorp Genetics (formerly Invitae), Labcorp).